The following is an entry in ClinVar:

NM_001352754.2(ARMC9):c.1551+2_1551+5dup

Gene: ARMC9 (armadillo repeat containing 9; plus strand). Cytogenetic location: 2q37.1.
Variant type: Duplication.
Coding change: c.1551+2_1551+5dup on transcript NM_001352754.2 (MANE Select); the canonical splice donor site of the intron after coding-DNA position 1551 through 5 bases into the intron after coding-DNA position 1551, 4 bases duplicated (TACT; older notation c.1551+2_1551+5dupTACT).
Molecular consequence: splice donor variant.
Genome position (GRCh38, 1-based): chr2:231,278,460-231,278,463, TACT duplicated. VCF-style (leftmost placement, unchanged base first): chr2-231278459-G-GTACT. GRCh37 (hg19) VCF-style: chr2-232143172-G-GTACT.
Other names: c.1551+2_1551+5dup (NM_001271466.4, NM_001352755.2, NM_001352756.2 and 3 more transcripts); c.1452+2_1452+5dup (NM_001352757.2, NM_001352758.2).
Identifiers: ClinVar variation 1512119 (VCV001512119.6), dbSNP rs2125446752, ClinGen allele CA2573135508.
Genomic context (GRCh38, chr2:231,278,459, plus strand): 5'-AAGGTGGCAGGCCTCGTGCTCAAAGTCCTTTCGGATCTTCTTGGCCATGAAAACCATGAG[G>GTACT]TACTCATTCAGCACTGCTGGCCCTGGGCTCGGGGAGGCTACACTGGGGACCCAATGCCTG-3'

ClinVar aggregate classification (germline): Uncertain significance (1 of 4 stars; one submission).

Submission:

Labcorp Genetics (formerly Invitae), Labcorp
Classification: Uncertain significance. Last evaluated: 2021-02-19. Review status: criteria provided, single submitter. Criteria: Invitae Variant Classification Sherloc (09022015). Collection method: clinical testing. Allele origin: germline.
Comment: This variant has not been reported in the literature in individuals with ARMC9-related conditions. This sequence change falls in intron 15 of the ARMC9 gene. It does not directly change the encoded amino acid sequence of the ARMC9 protein. It affects a nucleotide within the consensus splice site of the intron. This variant is not present in population databases (ExAC no frequency). Nucleotide substitutions within the consensus splice site are a relatively common cause of aberrant splicing (PMID: 17576681, 9536098). Algorithms developed to predict the effect of sequence changes on RNA splicing suggest that this variant is not likely to affect RNA splicing, but this prediction has not been confirmed by published transcriptional studies. In summary, the available evidence is currently insufficient to determine the role of this variant in disease. Therefore, it has been classified as a Variant of Uncertain Significance.

Literature cited by the submitters: PubMed 17576681; PubMed 9536098.